The following is an entry in ClinVar:

ClinVar aggregate classification (germline): Uncertain significance. Review status: criteria provided, multiple submitters, no conflicts (2 of 4 stars). 2 submissions from 2 submitters: Uncertain significance (2). Last evaluated 2026-04-22.

Conditions:
Inborn genetic diseases. Identifiers: MedGen C0950123, MeSH D030342.

Allele frequency attached by ClinVar (database versions not stated): gnomAD exomes below 0.00001; TOPMed below 0.00001; gnomAD 0.00001.
gnomAD v4.1: 2 of 1,601,556 alleles (0.00012%); highest among the groups gnomAD compares: African/African-American, 0.0027%; no homozygotes.

Submissions (2):

GeneDx
Classification: Uncertain significance. Last evaluated: 2026-04-22. Review status: criteria provided, single submitter. Criteria: GeneDx Variant Classification Process June 2021. Collection method: clinical testing. Allele origin: germline.
Comment: Not observed at significant frequency in large population cohorts (gnomAD); In silico analysis supports that this missense variant has a deleterious effect on protein structure/function; Has not been previously published as pathogenic or benign to our knowledge

Ambry Genetics
Classification: Uncertain significance for Inborn genetic diseases. Last evaluated: 2023-01-06. Review status: criteria provided, single submitter. Criteria: Ambry Variant Classification Scheme 2023. Collection method: clinical testing. Allele origin: germline.

NM_001080449.3(DNA2):c.1294C>T (p.His432Tyr)

Gene: DNA2 (DNA replication helicase/nuclease 2; minus strand). Cytogenetic location: 10q21.3.
Variant type: single nucleotide variant.
Coding change: c.1294C>T on transcript NM_001080449.3 (MANE Select); coding-DNA position 1294, C replaced by T.
Protein change: p.His432Tyr; replaces histidine 432 with tyrosine.
Molecular consequence: missense variant. On other transcripts: non-coding transcript variant (1).
Genome position (GRCh38, 1-based): chr10:68,443,038, G>A on the plus strand (C>T on the coding strand, the complement: DNA2 is on the minus strand). VCF-style: chr10-68443038-G-A. GRCh37 (hg19) VCF-style: chr10-70202795-G-A.
Other names: short protein forms H432Y.
Identifiers: ClinVar variation 2466306 (VCV002466306.3), dbSNP rs2051991471, ClinGen allele CA376862059.
Genomic context (GRCh38, chr10:68,443,038, plus strand): 5'-ACTCCAGGGTTAACATTAGACACCAAAGGCTGAAATATTCTAAGTGTGTTTGCTTCAGAT[G>A]CTGGGTTTCTTCTTCTATTTTGGGCAGCATCACAATTGGGACTGAACTACAATCCATCTG-3'
Protein context (NP_001073918.2, residues 422-442): MLPKIEEETQ[His432Tyr]LKQTHLEYFS